The following is an entry in ClinVar:

ClinVar aggregate classification (germline): Likely pathogenic. Review status: criteria provided, multiple submitters, no conflicts (2 of 4 stars). 3 submissions from 3 submitters: Likely pathogenic (2). 1 of the submissions does not count toward it. Last evaluated 2025-05-19.

Conditions:
Dilated cardiomyopathy 1G (CMD1G). Identifiers: Orphanet 154, MedGen C1858763, MONDO:0011400, OMIM 604145.
Autosomal recessive limb-girdle muscular dystrophy type 2J (LGMDR10). Also called: MUSCULAR DYSTROPHY, LIMB-GIRDLE, AUTOSOMAL RECESSIVE 10; Limb-girdle muscular dystrophy, type 2J. Identifiers: Orphanet 140922, MedGen C1837342, MONDO:0012127, OMIM 608807.
TTN-related disorder. Also called: TTN-related disorders; TTN-related condition; TTN-related disease.

Submissions (3):

Labcorp Genetics (formerly Invitae), Labcorp
Classification: Likely pathogenic for Dilated cardiomyopathy 1G; Autosomal recessive limb-girdle muscular dystrophy type 2J. Last evaluated: 2025-05-19. Review status: criteria provided, single submitter. Criteria: Invitae Variant Classification Sherloc (09022015). Collection method: clinical testing. Allele origin: germline.
Comment: This sequence change creates a premature translational stop signal (p.Trp29159*) in the TTN gene. While this is not anticipated to result in nonsense mediated decay, it is expected to create a truncated TTN protein. This variant is not present in population databases (gnomAD no frequency). This variant has not been reported in the literature in individuals affected with TTN-related conditions. ClinVar contains an entry for this variant (Variation ID: 3363000). This variant is located in the A band of TTN (PMID: 25589632). Truncating variants in this region are significantly overrepresented in patients affected with dilated cardiomyopathy (PMID: 25589632). Truncating variants in this region have also been reported in individuals affected with autosomal recessive centronuclear myopathy (PMID: 23975875). In summary, the currently available evidence indicates that the variant is pathogenic, but additional data are needed to prove that conclusively. Therefore, this variant has been classified as Likely Pathogenic.

Blueprint Genetics
Classification: Likely pathogenic for TTN-related disorders. Last evaluated: 2024-03-06. Review status: criteria provided, single submitter. Criteria: ACMG Guidelines, 2015. Collection method: clinical testing. Allele origin: germline. Affected: yes. Observed: 1 variant allele.

Cardiogenetics and Myogenetics Molecular and Cellular Functional Unit, Aphp Sorbonne University-Hopital Pitie Salpetriere
Classification: Likely pathogenic for Dilated cardiomyopathy 1G. Last evaluated: 2024-01-06. Review status: no assertion criteria provided. Collection method: clinical testing. Allele origin: germline. Affected: yes. Not counted in ClinVar's aggregate classification.

Literature cited by the submitters: PubMed 25589632 (cited by Labcorp Genetics (formerly Invitae), Labcorp); PubMed 23975875 (cited by Labcorp Genetics (formerly Invitae), Labcorp).

NM_001267550.2(TTN):c.87477G>A (p.Trp29159Ter)

Genes: TTN (titin; minus strand), TTN-AS1 (TTN antisense RNA 1; plus strand). Cytogenetic location: 2q31.2.
Variant type: single nucleotide variant.
Coding change: c.87477G>A on transcript NM_001267550.2 (MANE Select); coding-DNA position 87477, G replaced by A.
Protein change: p.Trp29159Ter; replaces tryptophan 29159 with a stop codon.
Molecular consequence: nonsense.
Genome position (GRCh38, 1-based): chr2:178,557,877, C>T on the plus strand (G>A on the coding strand, the complement: TTN is on the minus strand). VCF-style: chr2-178557877-C-T. GRCh37 (hg19) VCF-style: chr2-179422604-C-T.
Other names: c.82554G>A, p.Trp27518Ter (NM_001256850.1); c.60282G>A, p.Trp20094Ter (NM_003319.4); c.79773G>A, p.Trp26591Ter (NM_133378.4); c.60657G>A, p.Trp20219Ter (NM_133432.3); c.60858G>A, p.Trp20286Ter (NM_133437.4); short protein forms W20094*, W20219*, W20286*, W26591*, W27518*, W29159*.
Identifiers: ClinVar variation 3363000 (VCV003363000.3).